The following is an entry in ClinVar:

ClinVar aggregate classification (germline): Uncertain significance (1 of 4 stars; one submission).

Submission:

Ambry Genetics
Classification: Uncertain significance. Last evaluated: 2021-12-21. Review status: criteria provided, single submitter. Criteria: Ambry Variant Classification Scheme 2023. Collection method: clinical testing. Allele origin: germline.
Comment: The p.S318C variant (also known as c.952A>T), located in coding exon 9 of the RAD54L gene, results from an A to T substitution at nucleotide position 952. The serine at codon 318 is replaced by cysteine, an amino acid with dissimilar properties. This amino acid position is conserved. In addition, this alteration is predicted to be deleterious by in silico analysis. Since supporting evidence is limited at this time, the clinical significance of this alteration remains unclear.

NM_003579.4(RAD54L):c.952A>T (p.Ser318Cys)

Gene: RAD54L (RAD54 like; plus strand). Cytogenetic location: 1p34.1.
Variant type: single nucleotide variant.
Coding change: c.952A>T on transcript NM_003579.4 (MANE Select); coding-DNA position 952, A replaced by T.
Protein change: p.Ser318Cys; replaces serine 318 with cysteine.
Molecular consequence: missense variant.
Genome position (GRCh38, 1-based): chr1:46,267,519, A>T. VCF-style: chr1-46267519-A-T. GRCh37 (hg19) VCF-style: chr1-46733191-A-T.
Other names: c.952A>T, p.Ser318Cys (NM_001142548.2); c.412A>T, p.Ser138Cys (NM_001370766.1); short protein forms S138C, S318C.
Identifiers: ClinVar variation 1767274 (VCV001767274.2), dbSNP rs2525690625, ClinGen allele CA340192310.